The following is an entry in ClinVar:

NM_005120.3(MED12):c.617G>A (p.Arg206Gln)

Gene: MED12 (mediator complex subunit 12; plus strand). Cytogenetic location: Xq13.1.
Variant type: single nucleotide variant.
Coding change: c.617G>A on transcript NM_005120.3 (MANE Select); coding-DNA position 617, G replaced by A.
Protein change: p.Arg206Gln; replaces arginine 206 with glutamine.
Molecular consequence: missense variant.
Genome position (GRCh38, 1-based): chrX:71,121,034, G>A. VCF-style: chrX-71121034-G-A. GRCh37 (hg19) VCF-style: chrX-70340884-G-A.
Other names: short protein forms R206Q.
Identifiers: ClinVar variation 1019021 (VCV001019021.13), dbSNP rs2092288110, ClinGen allele CA413500645.
Genomic context (GRCh38, chrX:71,121,034, plus strand): 5'-GGACTCAGATCATCACCAAGTACTTATGGGAGCAGTTACAGAAGATGGCTGAATACTACC[G>A]GCCAGGGCCTGCAGGAAGTGGGGGCTGTGGTTCCACGATAGGGCCCTTGCCCCATGATGT-3'
Protein context (NP_005111.2, residues 196-216): EQLQKMAEYY[Arg206Gln]PGPAGSGGCG

ClinVar aggregate classification (germline): Uncertain significance. Review status: criteria provided, multiple submitters, no conflicts (2 of 4 stars). 3 submissions from 3 submitters: Uncertain significance (2). 1 of the submissions does not count toward it. Last evaluated 2025-08-29.

Conditions:
FG syndrome 1 (OKS). Also called: OPITZ-KAVEGGIA SYNDROME; KELLER SYNDROME; MENTAL RETARDATION, LARGE HEAD, IMPERFORATE ANUS, CONGENITAL HYPOTONIA, AND PARTIAL AGENESIS OF CORPUS CALLOSUM; FG Syndrome Type 1 (FGS1). Identifiers: Orphanet 93932, MedGen C5399762, MONDO:0010590, OMIM 305450.
FG syndrome (FGS). Identifiers: MedGen C0220769, MONDO:0002010.
X-linked intellectual disability with marfanoid habitus. Also called: Lujan Syndrome; INTELLECTUAL DEVELOPMENTAL DISORDER, X-LINKED, SYNDROMIC, LUJAN-FRYNS TYPE; X-linked mental retardation with marfanoid habitus syndrome; Lujan Syndrome (LS). Identifiers: Orphanet 776, MedGen C0796022, MONDO:0010655, OMIM 309520.

Allele frequency attached by ClinVar (database versions not stated): gnomAD 0.00001; gnomAD exomes below 0.00001.

Submissions (3):

Labcorp Genetics (formerly Invitae), Labcorp
Classification: Uncertain significance for FG syndrome. Last evaluated: 2025-08-29. Review status: criteria provided, single submitter. Criteria: Invitae Variant Classification Sherloc (09022015). Collection method: clinical testing. Allele origin: germline.
Comment: This sequence change replaces arginine, which is basic and polar, with glutamine, which is neutral and polar, at codon 206 of the MED12 protein (p.Arg206Gln). This variant is not present in population databases (gnomAD no frequency). This missense change has been observed in individual(s) with MED12-related conditions (PMID: 30729724). ClinVar contains an entry for this variant (Variation ID: 1019021). Invitae Evidence Modeling of protein sequence and biophysical properties (such as structural, functional, and spatial information, amino acid conservation, physicochemical variation, residue mobility, and thermodynamic stability) indicates that this missense variant is not expected to disrupt MED12 protein function with a negative predictive value of 95%. Experimental studies have shown that this missense change affects MED12 function (PMID: 28369444). In summary, the available evidence is currently insufficient to determine the role of this variant in disease. Therefore, it has been classified as a Variant of Uncertain Significance.

3billion
Classification: Uncertain significance for FG syndrome 1; X-linked intellectual disability with marfanoid habitus. Last evaluated: 2024-07-30. Review status: criteria provided, single submitter. Criteria: ACMG Guidelines, 2015. Collection method: clinical testing. Allele origin: germline. Affected: yes.
Comment: The variant is observed at an extremely low frequency in the gnomAD v4.0.0 dataset (total allele frequency: <0.001%). Functional studies provide moderate evidence of the variant having a damaging effect on the gene or gene product (PMID: 28369444). The same nucleotide change resulting in the same amino acid change has been previously reported to be associated with MED12-related disorder (ClinVar ID: VCV001019021 / PMID: 28369444). Therefore, this variant is classified as uncertain significance according to the recommendation of ACMG/AMP guideline.

GeneReviews
No classification provided. Condition: FG syndrome. Review status: no classification provided. Collection method: literature only. Allele origin: germline. Not counted in ClinVar's aggregate classification.
Comment: Reported in males with nonspecific intellectual disability

Literature cited by the submitters: PubMed 30729724 (cited by Labcorp Genetics (formerly Invitae), Labcorp and GeneReviews); PubMed 28369444 (cited by Labcorp Genetics (formerly Invitae), Labcorp and GeneReviews); PubMed 20301719 (cited by GeneReviews).